The following is an entry in ClinVar:

ClinVar aggregate classification (germline): Pathogenic. Review status: criteria provided, multiple submitters, no conflicts (2 of 4 stars). 2 submissions from 2 submitters: Pathogenic (2). Last evaluated 2018-01-01.

Conditions:
Telangiectasia, hereditary hemorrhagic, type 1 (HHT1). Also called: Osler Weber Rendu syndrome type 1; ENG-Related Hereditary Hemorrhagic Telangiectasia. Identifiers: Orphanet 774, MedGen C4551861, MONDO:0008535, OMIM 187300. Disease mechanism: loss of function.

Submissions (2):

NIHR Bioresource Rare Diseases, University of Cambridge
Classification: Pathogenic for Telangiectasia, hereditary hemorrhagic, type 1. Last evaluated: 2018-01-01. Review status: criteria provided, single submitter. Criteria: ACMG Guidelines, 2015. Collection method: research. Allele origin: unknown. Affected: yes. Observed: 1 variant allele.
Comment: PVS1+PM2+PP4

GeneDx
Classification: Pathogenic. Last evaluated: 2017-09-18. Review status: criteria provided, single submitter. Criteria: GeneDx Variant Classification (06012015). Collection method: clinical testing. Allele origin: germline. Affected: yes.
Comment: The c.736delG pathogenic variant in the ENG gene has previously been reported in a patient with epistaxis, telangiectases, and a pulmonary arteriovenous malformation (Cymerman et al., 2003). This variant has also been reported in another unrelated patient who met Curacao criteria for a diagnosis of HHT (reported as c.733delG due to use of alternative nomenclature) (Letteboer et al., 2005). The 736delG variant causes a shift in reading frame starting at codon aspartic acid 246, changing it to an isoleucine, and creating a premature stop codon at position 113 of the new reading frame, denoted p.Asp246IlefsX113. This pathogenic variant is expected to result in either an abnormal, truncated protein product or loss of protein from this allele through nonsense-mediated mRNA decay. Other downstream frameshift variants in the ENG gene have been reported in Human Gene Mutation Database in association with HHT (Stenson et al., 2014), indicating that loss of function is a mechanism of disease for this gene. Furthermore, the c.736delG variant has not been observed in large population cohorts (Lek et al., 2016; 1000 Genomes Consortium et al., 2015; Exome Variant Server).

Literature cited by the submitters: PubMed 32573726 (cited by NIHR Bioresource Rare Diseases, University of Cambridge).

NM_001114753.3(ENG):c.736del (p.Asp246fs)

Gene: ENG (endoglin; minus strand). Cytogenetic location: 9q34.11.
Variant type: Deletion.
Coding change: c.736del on transcript NM_001114753.3 (MANE Select); coding-DNA position 736, one base deleted (G; older notation c.736delG).
Protein change: p.Asp246fs; shifts the reading frame from aspartic acid 246.
Molecular consequence: frameshift variant.
Genome position (GRCh38, 1-based): chr9:127,825,311, C deleted on the plus strand (G on the coding strand, the reverse complement: ENG is on the minus strand); the first of 4 consecutive C bases (chr9:127,825,311-127,825,314); deleting any one gives the same sequence. VCF-style (leftmost placement, unchanged base first): chr9-127825310-TC-T. GRCh37 (hg19) VCF-style: chr9-130587589-TC-T.
Other names: c.733delG, p.Asp246Ilefs (NM_000118.4, NM_001406715.1); c.190del, p.Asp64fs (NM_001278138.2); c.736delG (NM_000118.3); short protein forms D246fs, D64fs.
Identifiers: ClinVar variation 449319 (VCV000449319.5), dbSNP rs1554810249, ClinGen allele CA658656035.
Genomic context (GRCh38, chr9:127,825,310, plus strand): 5'-TTGGCGTCGATGAGCCAGGACACGTAGGGGGGACCCTGCAGGATGAGGACGGCATCGAGA[TC>T]CCCGGGTGCGCAGCTCAGTTCCACCTTCACCGTCACCGTCCGGGGCCTGCGGGGAGACAG-3'